The following is an entry in ClinVar:

NM_001267550.2(TTN):c.39625+196T>C

Gene: TTN (titin; minus strand). Cytogenetic location: 2q31.2.
Variant type: single nucleotide variant.
Coding change: c.39625+196T>C on transcript NM_001267550.2 (MANE Select); 196 bases into the intron after coding-DNA position 39625, T replaced by C.
Molecular consequence: intron variant.
Genome position (GRCh38, 1-based): chr2:178,651,047, A>G on the plus strand (T>C on the coding strand, the complement: TTN is on the minus strand). VCF-style: chr2-178651047-A-G. GRCh37 (hg19) VCF-style: chr2-179515774-A-G.
Other names: c.13283-8730T>C (NM_003319.4); c.13859-8730T>C (NM_133437.4); c.13658-8730T>C (NM_133432.3); c.32323+196T>C (NM_133378.4); c.35104+196T>C (NM_001256850.1).
Identifiers: ClinVar variation 673093 (VCV000673093.1), dbSNP rs1429094, ClinGen allele CA60967730.

ClinVar aggregate classification (germline): Benign (1 of 4 stars; one submission).

Allele frequency attached by ClinVar (database versions not stated): gnomAD 0.16760 and 0.17303; TOPMed 0.17867; 1000 Genomes Project 30x 0.23610; 1000 Genomes Project 0.24101.
gnomAD v4.1: 26,626 of 152,072 alleles (18%); highest among the groups gnomAD compares: East Asian, 45%; 2,723 homozygotes.

Submission:

GeneDx
Classification: Benign. Last evaluated: 2018-06-14. Review status: criteria provided, single submitter. Criteria: GeneDx Variant Classification (06012015). Collection method: clinical testing. Allele origin: germline. Affected: yes.
Comment: This variant is considered likely benign or benign based on one or more of the following criteria: it is a conservative change, it occurs at a poorly conserved position in the protein, it is predicted to be benign by multiple in silico algorithms, and/or has population frequency not consistent with disease.